The following is an entry in ClinVar:

NM_138459.5(NUS1):c.32T>C (p.Val11Ala)

Gene: NUS1 (NUS1 dehydrodolichyl diphosphate synthase subunit; plus strand). Cytogenetic location: 6q22.1.
Variant type: single nucleotide variant.
Coding change: c.32T>C on transcript NM_138459.5 (MANE Select); coding-DNA position 32, T replaced by C.
Protein change: p.Val11Ala; replaces valine 11 with alanine.
Molecular consequence: missense variant.
Genome position (GRCh38, 1-based): chr6:117,675,702, T>C. VCF-style: chr6-117675702-T-C. GRCh37 (hg19) VCF-style: chr6-117996865-T-C.
Other names: short protein forms V11A.
Identifiers: ClinVar variation 3252203 (VCV003252203.1), dbSNP rs1390038002.
Genomic context (GRCh38, chr6:117,675,702, plus strand): 5'-GAGAGGGGGTGTCTGAGGGCCACAAGAGTATGACGGGGCTGTACGAGCTGGTGTGGCGGG[T>C]GCTGCACGCGCTGCTCTGTCTGCACCGCACGCTCACCTCCTGGCTCCGCGTTCGGTTCGG-3'
Protein context (NP_612468.1, residues 1-21): MTGLYELVWR[Val11Ala]LHALLCLHRT

ClinVar aggregate classification (germline): Uncertain significance (1 of 4 stars; one submission).

Submission:

GeneDx
Classification: Uncertain significance. Last evaluated: 2023-10-02. Review status: criteria provided, single submitter. Criteria: GeneDx Variant Classification Process June 2021. Collection method: clinical testing. Allele origin: germline. Affected: yes.
Comment: In silico analysis supports that this missense variant does not alter protein structure/function; Has not been previously published as pathogenic or benign to our knowledge